The following is an entry in ClinVar:

NM_144997.7(FLCN):c.1063-1G>T

Gene: FLCN (folliculin; minus strand). Cytogenetic location: 17p11.2.
Variant type: single nucleotide variant.
Coding change: c.1063-1G>T on transcript NM_144997.7 (MANE Select); the canonical splice acceptor site of the intron before coding-DNA position 1063, G replaced by T.
Molecular consequence: splice acceptor variant.
Genome position (GRCh38, 1-based): chr17:17,217,183, C>A on the plus strand (G>T on the coding strand, the complement: FLCN is on the minus strand). VCF-style: chr17-17217183-C-A. GRCh37 (hg19) VCF-style: chr17-17120497-C-A.
Other names: c.1063-1G>T (NM_001353231.2, NM_001353230.2); c.1117-1G>T (NM_001353229.2).
Identifiers: ClinVar variation 4736430 (VCV004736430.2).

ClinVar aggregate classification (germline): Likely pathogenic. Review status: criteria provided, multiple submitters, no conflicts (2 of 4 stars). 2 submissions from 2 submitters: Likely pathogenic (2). Last evaluated 2026-07-06.

Conditions:
Birt-Hogg-Dube syndrome. Also called: Birt Hogg Dubé syndrome. Identifiers: Orphanet 122, MedGen C0346010, MONDO:0800444.

Submissions (2):

Clinical Genetics Laboratory, Skane University Hospital Lund
Classification: Likely pathogenic for Birt-Hogg-Dube syndrome. Last evaluated: 2026-07-06. Review status: criteria provided, single submitter. Criteria: ACMG Guidelines, 2015. Collection method: clinical testing. Allele origin: germline. Inheritance: Autosomal dominant inheritance. Affected: yes.
Comment: FLCN (NM_144997.7) c.1063-1G>T, p.? represents a nucleotide substitution in intron 9 that is predicted to result in likely altered splicing of exon 10 of 14. FLCN c.1063-1G>T has not been detected in the general population and is reported as likely pathogenic in the ClinVar database (Accession: VCV004736430.1). Another splice variant within the same motif (c.1063-2A>G) is reported as pathogenic/likely pathogenic in ClinVar (Accession: VCV001408666.10). The variant has been classified as likely pathogenic based on the following ACMG criteria: PVS1_Moderate, PS1, and PS2.

Labcorp Genetics (formerly Invitae), Labcorp
Classification: Likely pathogenic for Birt-Hogg-Dube syndrome. Last evaluated: 2026-01-28. Review status: criteria provided, single submitter. Criteria: Invitae Variant Classification Sherloc (09022015). Collection method: clinical testing. Allele origin: germline.
Comment: This sequence change affects an acceptor splice site in intron 9 of the FLCN gene. It is expected to disrupt RNA splicing. Variants that disrupt the donor or acceptor splice site typically lead to a loss of protein function (PMID: 16199547), and loss-of-function variants in FLCN are known to be pathogenic (PMID: 15852235). This variant is not present in population databases (gnomAD no frequency). This variant has not been reported in the literature in individuals affected with FLCN-related conditions. Algorithms developed to predict the effect of sequence changes on RNA splicing suggest that this variant may disrupt the consensus splice site. In summary, the currently available evidence indicates that the variant is pathogenic, but additional data are needed to prove that conclusively. Therefore, this variant has been classified as Likely Pathogenic.

Literature cited by the submitters: PubMed 16199547 (cited by Labcorp Genetics (formerly Invitae), Labcorp); PubMed 15852235 (cited by Labcorp Genetics (formerly Invitae), Labcorp).